The following is an entry in ClinVar:

ClinVar aggregate classification (germline): Benign (1 of 4 stars; one submission).

Allele frequency attached by ClinVar (database versions not stated): TOPMed 0.15502; 1000 Genomes Project 30x 0.16068; gnomAD 0.16068 and 0.16275; 1000 Genomes Project 0.16693.
gnomAD v4.1: 24,044 of 148,290 alleles (16%); highest among the groups gnomAD compares: East Asian, 21%; 2,042 homozygotes.

Submission:

GeneDx
Classification: Benign. Last evaluated: 2018-06-16. Review status: criteria provided, single submitter. Criteria: GeneDx Variant Classification (06012015). Collection method: clinical testing. Allele origin: germline. Affected: yes.
Comment: This variant is considered likely benign or benign based on one or more of the following criteria: it is a conservative change, it occurs at a poorly conserved position in the protein, it is predicted to be benign by multiple in silico algorithms, and/or has population frequency not consistent with disease.

NM_005592.4(MUSK):c.487-236G>A

Gene: MUSK (muscle associated receptor tyrosine kinase; plus strand). Cytogenetic location: 9q31.3.
Variant type: single nucleotide variant.
Coding change: c.487-236G>A on transcript NM_005592.4 (MANE Select); 236 bases into the intron before coding-DNA position 487, G replaced by A.
Molecular consequence: intron variant.
Genome position (GRCh38, 1-based): chr9:110,697,089, G>A. VCF-style: chr9-110697089-G-A. GRCh37 (hg19) VCF-style: chr9-113459369-G-A.
Other names: c.487-236G>A (NM_001166280.2, NM_001166281.2).
Identifiers: ClinVar variation 684084 (VCV000684084.1), dbSNP rs7031870, ClinGen allele CA198340076.